The following is an entry in ClinVar:

NM_000384.3(APOB):c.9406C>T (p.Arg3136Cys)

Gene: APOB (apolipoprotein B; minus strand). Cytogenetic location: 2p24.1.
Variant type: single nucleotide variant.
Coding change: c.9406C>T on transcript NM_000384.3 (MANE Select); coding-DNA position 9406, C replaced by T.
Protein change: p.Arg3136Cys; replaces arginine 3136 with cysteine.
Molecular consequence: missense variant.
Genome position (GRCh38, 1-based): chr2:21,007,462, G>A on the plus strand (C>T on the coding strand, the complement: APOB is on the minus strand). VCF-style: chr2-21007462-G-A. GRCh37 (hg19) VCF-style: chr2-21230334-G-A.
Other names: p.Arg3136Cys; short protein forms R3136C.
Identifiers: ClinVar variation 630606 (VCV000630606.16), dbSNP rs72653102, ClinGen allele CA066505.
Genomic context (GRCh38, chr2:21,007,462, plus strand): 5'-TTTTTTCCCATAGAGAGAAATCTTTCAGTGGAGGAGTTGTGATTATTGTGTAAGGTAGAC[G>A]CATTTCAGGAATTGTTAAAGGAATGTTTAAGAAATCCAGATTTGCTTCTCCATTTATTCC-3'
Protein context (NP_000375.3, residues 3126-3146): LNIPLTIPEM[Arg3136Cys]LPYTIITTPP

ClinVar aggregate classification (germline): Conflicting classifications of pathogenicity. Review status: criteria provided, conflicting classifications (1 of 4 stars). 4 submissions from 4 submitters: Uncertain significance (2); Likely benign (2). Last evaluated 2026-04-08.

Conditions:
Cardiovascular phenotype. Identifiers: MedGen CN230736.
Hypercholesterolemia, autosomal dominant, type B (FHCL2). Also called: Familial Hypercholesterolemia Type B; APOB-Related Familial Hypercholesterolemia, Autosomal Dominant; Familial hypercholesterolemia 2; APOLIPOPROTEIN B-100, FAMILIAL DEFECTIVE; APOLIPOPROTEIN B-100, FAMILIAL LIGAND-DEFECTIVE; HYPERCHOLESTEROLEMIA, FAMILIAL, DUE TO LIGAND-DEFECTIVE APOLIPOPROTEIN B. Identifiers: MedGen C1704417, MONDO:0007751, OMIM 144010.
Familial hypobetalipoproteinemia 1. Also called: APOB-Related Familial Hypobetalipoproteinemia; Hypobetalipoproteinemia, normotriglyceridemic; Acanthocytosis with hypobetalipoproteinemia. Identifiers: MedGen C4551990, MONDO:0014252, OMIM 615558.

Allele frequency attached by ClinVar (database versions not stated): gnomAD 0.00004 and 0.00005; 1000 Genomes Project 30x 0.00031; TOPMed 0.00003; ExAC 0.00006; ESP Exome Variant Server 0.00023; 1000 Genomes Project 0.00040; gnomAD exomes 0.00005 and 0.00010.
gnomAD v4.1: 158 of 1,613,980 alleles (0.0098%); highest among the groups gnomAD compares: Non-Finnish European, 0.012%; no homozygotes.

Submissions (4):

Ambry Genetics
Classification: Likely benign for Cardiovascular phenotype. Last evaluated: 2026-04-08. Review status: criteria provided, single submitter. Criteria: Ambry Variant Classification Scheme 2023. Collection method: clinical testing. Allele origin: germline.

Labcorp Genetics (formerly Invitae), Labcorp
Classification: Likely benign for Familial hypobetalipoproteinemia 1; Hypercholesterolemia, autosomal dominant, type B. Last evaluated: 2025-11-12. Review status: criteria provided, single submitter. Criteria: Invitae Variant Classification Sherloc (09022015). Collection method: clinical testing. Allele origin: germline.

Mayo Clinic Laboratories, Mayo Clinic
Classification: Uncertain significance. Last evaluated: 2025-02-14. Review status: criteria provided, single submitter. Criteria: ACMG Guidelines, 2015. Collection method: clinical testing. Allele origin: germline. Observed: 1 variant allele.
Comment: BP4_moderate

Institute for Clinical Genetics, University Hospital TU Dresden, University Hospital TU Dresden
Classification: Uncertain significance. Last evaluated: 2021-11-03. Review status: criteria provided, single submitter. Criteria: ACMG Guidelines, 2015. Collection method: clinical testing. Allele origin: germline.